The following is an entry in ClinVar:

ClinVar aggregate classification (germline): Uncertain significance (1 of 4 stars; one submission).

Allele frequency attached by ClinVar (database versions not stated): TOPMed below 0.00001; gnomAD 0.00001; gnomAD exomes 0.00003.

Submission:

CeGaT Center for Human Genetics Tuebingen
Classification: Uncertain significance. Last evaluated: 2024-02-01. Review status: criteria provided, single submitter. Criteria: CeGaT Center For Human Genetics Tuebingen Variant Classification Criteria Version 2. Collection method: clinical testing. Allele origin: germline. Affected: yes. Observed: 1 variant allele.
Comment: OTOG: PM2, BP4

NM_001292063.2(OTOG):c.6061G>A (p.Val2021Ile)

Gene: OTOG (otogelin; plus strand). Cytogenetic location: 11p15.1.
Variant type: single nucleotide variant.
Coding change: c.6061G>A on transcript NM_001292063.2 (MANE Select); coding-DNA position 6061, G replaced by A.
Protein change: p.Val2021Ile; replaces valine 2021 with isoleucine.
Molecular consequence: missense variant.
Genome position (GRCh38, 1-based): chr11:17,611,361, G>A. VCF-style: chr11-17611361-G-A. GRCh37 (hg19) VCF-style: chr11-17632908-G-A.
Other names: c.6097G>A, p.Val2033Ile (NM_001277269.2); short protein forms V2021I, V2033I.
Identifiers: ClinVar variation 3026129 (VCV003026129.22), dbSNP rs774642374, ClinGen allele CA218477405.